The following is an entry in ClinVar:

NM_005475.3(SH2B3):c.845G>C (p.Arg282Pro)

Gene: SH2B3 (SH2B adaptor protein 3; plus strand). Cytogenetic location: 12q24.12.
Variant type: single nucleotide variant.
Coding change: c.845G>C on transcript NM_005475.3 (MANE Select); coding-DNA position 845, G replaced by C.
Protein change: p.Arg282Pro; replaces arginine 282 with proline.
Molecular consequence: missense variant.
Genome position (GRCh38, 1-based): chr12:111,446,952, G>C. VCF-style: chr12-111446952-G-C. GRCh37 (hg19) VCF-style: chr12-111884756-G-C.
Other names: c.239G>C, p.Arg80Pro (NM_001291424.1); short protein forms R80P, R282P.
Identifiers: ClinVar variation 3440835 (VCV003440835.1).

ClinVar aggregate classification (germline): Uncertain significance (1 of 4 stars; one submission).

Conditions:
Inborn genetic diseases. Identifiers: MedGen C0950123, MeSH D030342.

Submission:

Ambry Genetics
Classification: Uncertain significance for Inborn genetic diseases. Last evaluated: 2024-12-06. Review status: criteria provided, single submitter. Criteria: Ambry Variant Classification Scheme 2023. Collection method: clinical testing. Allele origin: germline.
Comment: The p.R282P variant (also known as c.845G>C), located in coding exon 3 of the SH2B3 gene, results from a G to C substitution at nucleotide position 845. The arginine at codon 282 is replaced by proline, an amino acid with dissimilar properties. This amino acid position is conserved. In addition, this alteration is predicted to be tolerated by in silico analysis. Based on the available evidence, the clinical significance of this variant remains unclear.